The following is an entry in ClinVar:

NM_001142864.4(PIEZO1):c.1401G>A (p.Ser467=)

Genes: HSALR1 (HSP90AB1 associated lncRNA 1; plus strand), PIEZO1 (piezo type mechanosensitive ion channel component 1 (Er blood group); minus strand). Cytogenetic location: 16q24.3.
Variant type: single nucleotide variant.
Coding change: c.1401G>A on transcript NM_001142864.4 (MANE Select); coding-DNA position 1401, G replaced by A.
Protein change: p.Ser467=; no amino-acid change (serine 467 retained).
Molecular consequence: synonymous variant.
Genome position (GRCh38, 1-based): chr16:88,736,304, C>T on the plus strand (G>A on the coding strand, the complement: PIEZO1 is on the minus strand). VCF-style: chr16-88736304-C-T. GRCh37 (hg19) VCF-style: chr16-88802712-C-T.
Identifiers: ClinVar variation 3051695 (VCV003051695.22), dbSNP rs539344462, ClinGen allele CA8233005.
Genomic context (GRCh38, chr16:88,736,304, plus strand): 5'-GTCCATGGCCCACACGTAGCGTAGGCAGCACAGCGTCATCCCATACAGCAGGATGCAGGG[C>T]GAGCACAGCATGGCCAGTTGGTGGCGGCTGCGCACCGTCCAGATGAGGCAGGCCCAGAGC-3'
Protein context (NP_001136336.2, residues 457-477): RSRHQLAMLC[Ser467=]PCILLYGMTL

ClinVar aggregate classification (germline): Likely benign. Review status: criteria provided, single submitter (1 of 4 stars). 2 submissions from 2 submitters: Likely benign (1). 1 of the submissions does not count toward it. Last evaluated 2024-03-01.

Conditions:
PIEZO1-related disorder. Also called: PIEZO1-Related Disorders; PIEZO1-related condition.

Allele frequency attached by ClinVar (database versions not stated): gnomAD exomes 0.00005; TOPMed 0.00010; gnomAD 0.00011; 1000 Genomes Project 0.00020; ExAC 0.00026; 1000 Genomes Project 30x 0.00031.
gnomAD v4.1: 94 of 1,550,158 alleles (0.0061%); highest among the groups gnomAD compares: Middle Eastern, 0.033%; no homozygotes.

Submissions (2):

CeGaT Center for Human Genetics Tuebingen
Classification: Likely benign. Last evaluated: 2024-03-01. Review status: criteria provided, single submitter. Criteria: CeGaT Center For Human Genetics Tuebingen Variant Classification Criteria Version 2. Collection method: clinical testing. Allele origin: germline. Affected: yes. Observed: 1 variant allele.
Comment: PIEZO1: BP4, BP7

PreventionGenetics, part of Exact Sciences
Classification: Likely benign for PIEZO1-related condition. Last evaluated: 2020-02-20. Review status: no assertion criteria provided. Collection method: clinical testing. Allele origin: germline. Not counted in ClinVar's aggregate classification.
Comment: This variant is classified as likely benign based on ACMG/AMP sequence variant interpretation guidelines (Richards et al. 2015 PMID: 25741868, with internal and published modifications).